The following is an entry in ClinVar:

NM_002617.4(PEX10):c.604C>A (p.Arg202Ser)

Gene: PEX10 (peroxisomal biogenesis factor 10; minus strand). Cytogenetic location: 1p36.32.
Variant type: single nucleotide variant.
Coding change: c.604C>A on transcript NM_002617.4 (MANE Select); coding-DNA position 604, C replaced by A.
Protein change: p.Arg202Ser; replaces arginine 202 with serine.
Molecular consequence: missense variant. On other transcripts: non-coding transcript variant (1).
Genome position (GRCh38, 1-based): chr1:2,406,892, G>T on the plus strand (C>A on the coding strand, the complement: PEX10 is on the minus strand). VCF-style: chr1-2406892-G-T. GRCh37 (hg19) VCF-style: chr1-2338331-G-T.
Other names: c.661C>A, p.Arg221Ser (NM_001374425.1); c.229C>A, p.Arg77Ser (NM_001374426.1); c.172C>A, p.Arg58Ser (NM_001374427.1); c.664C>A, p.Arg222Ser (NM_153818.2); short protein forms R202S, R58S, R222S, R221S, R77S.
Identifiers: ClinVar variation 849066 (VCV000849066.11), dbSNP rs149615608, ClinGen allele CA538092.

ClinVar aggregate classification (germline): Uncertain significance. Review status: criteria provided, multiple submitters, no conflicts (2 of 4 stars). 5 submissions from 5 submitters: Uncertain significance (4). 1 of the submissions does not count toward it. Last evaluated 2026-01-21.

Conditions:
PEX10-related disorder. Also called: PEX10-related condition.
Zellweger spectrum disorders (ZS). Also called: Zellweger Spectrum Disorder (ZSD); Zellweger Spectrum Disorder; Zellweger Spectrum; Zellweger syndrome. Identifiers: Orphanet 912, MedGen C0043459, MONDO:0019609.
Peroxisome biogenesis disorder, complementation group 7 (CG7). Also called: Peroxisome biogenesis disorder, complementation group B. Identifiers: MedGen C1864399.
Peroxisome biogenesis disorder 6A (Zellweger). Also called: Peroxisome biogenesis disorder 6A. Identifiers: Orphanet 912, MedGen C3553947, MONDO:0013936, OMIM 614870.

Allele frequency attached by ClinVar (database versions not stated): TOPMed 0.00011; ESP Exome Variant Server 0.00023.
gnomAD v4.1: 602 of 1,608,262 alleles (0.037%); highest among the groups gnomAD compares: Non-Finnish European, 0.051%; no homozygotes.

Submissions (5):

PreventionGenetics, part of Exact Sciences
Classification: Uncertain significance for PEX10-related condition. Last evaluated: 2026-01-21. Review status: criteria provided, single submitter. Criteria: ACMG Guidelines, 2015. Collection method: clinical testing. Allele origin: germline.
Comment: The PEX10 c.664C>A variant is predicted to result in the amino acid substitution p.Arg222Ser. To our knowledge, this variant has not been reported in the literature. This variant is reported in 0.018% of alleles in individuals of European (Non-Finnish) descent in gnomAD. Although we suspect that this variant may be benign, at this time, the clinical significance of this variant is uncertain due to the absence of conclusive functional and genetic evidence.

Blueprint Genetics
Classification: Uncertain significance. Last evaluated: 2024-11-19. Review status: criteria provided, single submitter. Criteria: ACMG Guidelines, 2015. Collection method: clinical testing. Allele origin: germline.

Labcorp Genetics (formerly Invitae), Labcorp
Classification: Uncertain significance for Peroxisome biogenesis disorder, complementation group 7. Last evaluated: 2022-10-18. Review status: criteria provided, single submitter. Criteria: Invitae Variant Classification Sherloc (09022015). Collection method: clinical testing. Allele origin: germline.
Comment: This sequence change replaces arginine, which is basic and polar, with serine, which is neutral and polar, at codon 222 of the PEX10 protein (p.Arg222Ser). This variant is present in population databases (rs149615608, gnomAD 0.02%). This variant has not been reported in the literature in individuals affected with PEX10-related conditions. ClinVar contains an entry for this variant (Variation ID: 849066). Algorithms developed to predict the effect of missense changes on protein structure and function (SIFT, PolyPhen-2, Align-GVGD) all suggest that this variant is likely to be tolerated. In summary, the available evidence is currently insufficient to determine the role of this variant in disease. Therefore, it has been classified as a Variant of Uncertain Significance.

Illumina Laboratory Services, Illumina
Classification: Uncertain significance for Peroxisome biogenesis disorder 6A (Zellweger). Last evaluated: 2018-01-12. Review status: criteria provided, single submitter. Criteria: ICSL Variant Classification Criteria 13 December 2019. Collection method: clinical testing. Allele origin: germline.

Natera, Inc.
Classification: Uncertain significance for Zellweger syndrome. Last evaluated: 2020-01-17. Review status: no assertion criteria provided. Collection method: clinical testing. Allele origin: germline. Not counted in ClinVar's aggregate classification.